The following is an entry in ClinVar:

NM_032608.7(MYO18B):c.3166C>T (p.Arg1056Cys)

Gene: MYO18B (myosin XVIIIB; plus strand). Cytogenetic location: 22q12.1.
Variant type: single nucleotide variant.
Coding change: c.3166C>T on transcript NM_032608.7 (MANE Select); coding-DNA position 3166, C replaced by T.
Protein change: p.Arg1056Cys; replaces arginine 1056 with cysteine.
Molecular consequence: missense variant.
Genome position (GRCh38, 1-based): chr22:25,835,401, C>T. VCF-style: chr22-25835401-C-T. GRCh37 (hg19) VCF-style: chr22-26231368-C-T.
Other names: c.3169C>T, p.Arg1057Cys (NM_001318245.2); short protein forms R1056C, R1057C.
Identifiers: ClinVar variation 2176510 (VCV002176510.5), dbSNP rs552342374, ClinGen allele CA10160473.

ClinVar aggregate classification (germline): Uncertain significance. Review status: criteria provided, multiple submitters, no conflicts (2 of 4 stars). 3 submissions from 3 submitters: Uncertain significance (3). Last evaluated 2026-01-23.

Conditions:
Klippel-Feil anomaly-myopathy-facial dysmorphism syndrome. Also called: Klippel-Feil syndrome 4, autosomal recessive, with myopathy and facial dysmorphism; Klippel-feil syndrome 4, autosomal recessive, with nemaline myopathy and facial dysmorphism. Identifiers: Orphanet 447974, MedGen C4225285, MONDO:0014689, OMIM 616549.

Allele frequency attached by ClinVar (database versions not stated): gnomAD 0.00003; TOPMed 0.00008; ExAC 0.00012.
gnomAD v4.1: 187 of 1,613,784 alleles (0.012%); highest among the groups gnomAD compares: Non-Finnish European, 0.015%; no homozygotes.

Submissions (3):

Labcorp Genetics (formerly Invitae), Labcorp
Classification: Uncertain significance. Last evaluated: 2026-01-23. Review status: criteria provided, single submitter. Criteria: Invitae Variant Classification Sherloc (09022015). Collection method: clinical testing. Allele origin: germline.
Comment: This sequence change replaces arginine, which is basic and polar, with cysteine, which is neutral and slightly polar, at codon 1056 of the MYO18B protein (p.Arg1056Cys). This variant is present in population databases (rs552342374, gnomAD 0.02%). This variant has not been reported in the literature in individuals affected with MYO18B-related conditions. ClinVar contains an entry for this variant (Variation ID: 2176510). An algorithm developed to predict the effect of missense changes on protein structure and function outputs the following: PolyPhen-2: "Possibly Damaging". The cysteine amino acid residue is found in multiple mammalian species, which suggests that this missense change does not adversely affect protein function. In summary, the available evidence is currently insufficient to determine the role of this variant in disease. Therefore, it has been classified as a Variant of Uncertain Significance.

Blueprint Genetics
Classification: Uncertain significance. Last evaluated: 2024-07-01. Review status: criteria provided, single submitter. Criteria: ACMG Guidelines, 2015. Collection method: clinical testing. Allele origin: germline.

Revvity Omics, Revvity
Classification: Uncertain significance for Klippel-Feil anomaly-myopathy-facial dysmorphism syndrome. Last evaluated: 2023-05-19. Review status: criteria provided, single submitter. Criteria: ACMG Guidelines, 2015. Collection method: clinical testing. Allele origin: germline.